The following is an entry in ClinVar:

ClinVar aggregate classification (germline): Uncertain significance (1 of 4 stars; one submission).

Submission:

Ambry Genetics
Classification: Uncertain significance. Last evaluated: 2024-11-14. Review status: criteria provided, single submitter. Criteria: Ambry Variant Classification Scheme 2023. Collection method: clinical testing. Allele origin: germline.
Comment: The p.E1922D variant (also known as c.5766G>C), located in coding exon 8 of the ALPK2 gene, results from a G to C substitution at nucleotide position 5766. The glutamic acid at codon 1922 is replaced by aspartic acid, an amino acid with highly similar properties. This amino acid position is conserved. In addition, this alteration is predicted to be tolerated by in silico analysis. Based on the available evidence, the clinical significance of this variant remains unclear.

NM_052947.4(ALPK2):c.5766G>C (p.Glu1922Asp)

Gene: ALPK2 (alpha kinase 2; minus strand). Cytogenetic location: 18q21.31.
Variant type: single nucleotide variant.
Coding change: c.5766G>C on transcript NM_052947.4 (MANE Select); coding-DNA position 5766, G replaced by C.
Protein change: p.Glu1922Asp; replaces glutamic acid 1922 with aspartic acid.
Molecular consequence: missense variant.
Genome position (GRCh38, 1-based): chr18:58,517,082, C>G on the plus strand (G>C on the coding strand, the complement: ALPK2 is on the minus strand). VCF-style: chr18-58517082-C-G. GRCh37 (hg19) VCF-style: chr18-56184314-C-G.
Other names: short protein forms E1922D.
Identifiers: ClinVar variation 3532046 (VCV003532046.1).